The following is an entry in ClinVar:

ClinVar aggregate classification (germline): Conflicting classifications of pathogenicity. Review status: criteria provided, conflicting classifications (1 of 4 stars). 9 submissions from 9 submitters: Uncertain significance (1); Benign (2); Likely benign (5). 1 of the submissions does not count toward it. Last evaluated 2025-11-17.

Conditions:
TSC1-related disorder. Also called: TSC1-related condition.
Hereditary cancer-predisposing syndrome. Also called: Tumor predisposition; Hereditary neoplastic syndrome; Hereditary Cancer Syndrome; Neoplastic Syndromes, Hereditary. Identifiers: Orphanet 140162, MedGen C0027672, MeSH D009386, MONDO:0015356.
Tuberous sclerosis syndrome (TSC). Also called: Tuberous Sclerosis Complex; Tuberous sclerosis. Identifiers: Orphanet 805, MedGen C0041341, MONDO:0001734.
Tuberous sclerosis 1 (TSC1). Identifiers: Orphanet 805, MedGen C1854465, MONDO:0008612, OMIM 191100.

Allele frequency attached by ClinVar (database versions not stated): ExAC 0.00001; gnomAD exomes 0.00001; TOPMed 0.00002; gnomAD 0.00003.
gnomAD v4.1: 8 of 1,614,016 alleles (0.0005%); highest among the groups gnomAD compares: Non-Finnish European, 0.00068%; no homozygotes.

Submissions (9):

Labcorp Genetics (formerly Invitae), Labcorp
Classification: Likely benign for Tuberous sclerosis 1. Last evaluated: 2025-11-17. Review status: criteria provided, single submitter. Criteria: Invitae Variant Classification Sherloc (09022015). Collection method: clinical testing. Allele origin: germline.

Color Diagnostics, LLC DBA Color Health
Classification: Likely benign for Tuberous sclerosis syndrome. Last evaluated: 2025-06-30. Review status: criteria provided, single submitter. Criteria: ACMG Guidelines, 2015. Collection method: clinical testing. Allele origin: germline.

Myriad Genetics, Inc.
Classification: Benign for Tuberous sclerosis 1. Last evaluated: 2025-04-09. Review status: criteria provided, single submitter. Criteria: Myriad Autosomal Dominant, Autosomal Recessive and X-Linked Classification Criteria (2023). Collection method: clinical testing. Allele origin: unknown.
Comment: This variant is considered benign. This variant is a silent/synonymous amino acid change and it is not expected to impact splicing.

All of Us Research Program, National Institutes of Health
Classification: Uncertain significance for Tuberous sclerosis syndrome. Last evaluated: 2024-01-11. Review status: criteria provided, single submitter. Criteria: ACMG Guidelines, 2015. Collection method: clinical testing. Allele origin: germline. Inheritance: Autosomal dominant inheritance. Observed: 8 variant alleles, 8 heterozygotes.
Comment: This variant is located in the TSC1 protein. To our knowledge, functional studies have not been reported for this variant. This variant has not been reported in individuals affected with TSC1-related disorders in the literature. This variant has been identified in 3/282754 chromosomes in the general population by the Genome Aggregation Database (gnomAD). The available evidence is insufficient to determine the role of this variant in disease conclusively. Therefore, this variant is classified as a Variant of Uncertain Significance.

This study involves interpretation of variants in research participants for the purpose of population health screening. Participant phenotype was not available at the time of variant classification. Additional details can be found in publication PMID: 35346344, PMCID: PMC8962531

CeGaT Center for Human Genetics Tuebingen
Classification: Likely benign. Last evaluated: 2022-05-01. Review status: criteria provided, single submitter. Criteria: CeGaT Center For Human Genetics Tuebingen Variant Classification Criteria Version 2. Collection method: clinical testing. Allele origin: germline. Affected: yes. Observed: 1 variant allele.
Comment: TSC1: BP4, BP7

Genome-Nilou Lab
Classification: Benign for Tuberous sclerosis 1. Last evaluated: 2021-11-07. Review status: criteria provided, single submitter. Criteria: ACMG Guidelines, 2015. Collection method: clinical testing. Allele origin: germline. Affected: no.

GeneDx
Classification: Likely benign. Last evaluated: 2018-05-15. Review status: criteria provided, single submitter. Criteria: GeneDx Variant Classification (06012015). Collection method: clinical testing. Allele origin: germline. Affected: yes.
Comment: This variant is considered likely benign or benign based on one or more of the following criteria: it is a conservative change, it occurs at a poorly conserved position in the protein, it is predicted to be benign by multiple in silico algorithms, and/or has population frequency not consistent with disease.

Ambry Genetics
Classification: Likely benign for Hereditary cancer-predisposing syndrome. Last evaluated: 2018-01-09. Review status: criteria provided, single submitter. Criteria: Ambry Variant Classification Scheme 2023. Collection method: clinical testing. Allele origin: germline.

PreventionGenetics, part of Exact Sciences
Classification: Likely benign for TSC1-related condition. Last evaluated: 2024-04-26. Review status: no assertion criteria provided. Collection method: clinical testing. Allele origin: germline. Not counted in ClinVar's aggregate classification.
Comment: This variant is classified as likely benign based on ACMG/AMP sequence variant interpretation guidelines (Richards et al. 2015 PMID: 25741868, with internal and published modifications).

NM_000368.5(TSC1):c.1317G>C (p.Leu439=)

Gene: TSC1 (TSC complex subunit 1; minus strand). Cytogenetic location: 9q34.13.
Variant type: single nucleotide variant.
Coding change: c.1317G>C on transcript NM_000368.5 (MANE Select); coding-DNA position 1317, G replaced by C.
Protein change: p.Leu439=; no amino-acid change (leucine 439 retained).
Molecular consequence: synonymous variant.
Genome position (GRCh38, 1-based): chr9:132,907,317, C>G on the plus strand (G>C on the coding strand, the complement: TSC1 is on the minus strand). VCF-style: chr9-132907317-C-G. GRCh37 (hg19) VCF-style: chr9-135782704-C-G.
Other names: c.1314G>C, p.Leu438= (NM_001162426.2); c.1164G>C, p.Leu388= (NM_001162427.2); c.954G>C, p.Leu318= (NM_001362177.2).
Identifiers: ClinVar variation 416671 (VCV000416671.45), dbSNP rs770692313, ClinGen allele CA028040.